The following is an entry in ClinVar:

NM_001378454.1(ALMS1):c.7331T>A (p.Leu2444Gln)

Gene: ALMS1 (ALMS1 centrosome and basal body associated protein; plus strand). Cytogenetic location: 2p13.1.
Variant type: single nucleotide variant.
Coding change: c.7331T>A on transcript NM_001378454.1 (MANE Select); coding-DNA position 7331, T replaced by A.
Protein change: p.Leu2444Gln; replaces leucine 2444 with glutamine.
Molecular consequence: missense variant.
Genome position (GRCh38, 1-based): chr2:73,453,858, T>A. VCF-style: chr2-73453858-T-A. GRCh37 (hg19) VCF-style: chr2-73680985-T-A.
Other names: c.7334T>A, p.Leu2445Gln (NM_015120.4); short protein forms L2444Q, L2445Q.
Identifiers: ClinVar variation 2443148 (VCV002443148.2), dbSNP rs1672002998, ClinGen allele CA347292233.

ClinVar aggregate classification (germline): Uncertain significance (0 of 4 stars; one submission).

Allele frequency attached by ClinVar (database versions not stated): TOPMed below 0.00001.

Submission:

Genetic Services Laboratory, University of Chicago
Classification: Uncertain significance. Last evaluated: 2022-12-21. Review status: no assertion criteria provided. Collection method: clinical testing. Allele origin: germline. Affected: no.
Comment: DNA sequenc analysis of the ALMS1 gene demonstrated a sequence change, c.7334T>A, in exon 8 that results in an amino acid change, p.Leu2445Gln. This sequence change does not appear to have been previously described in individuals with ALMS1-related disorders and has also not been described in population databases such as ExAC and gnomAD. The p.Leu2445Gln change affects a moderately conserved amino acid residue located in a domain of the ALMS1 protein that is not known to be functional. The p.Leu2445Gln substitution appears to be benign using several in-silico pathogenicity prediction tools (Align GVGD, REVEL). Due to insufficient evidences and the lack of functional studies, the clinical significance of the p.Leu2445Gln change remains unknown at this time. Biallelic pathogenic variants in ALMS1 are associated with Alstrom syndrome, which is characterized by progressive cone-rod dystrophy, sensorineural hearing loss, childhood obesity, and type 2 diabetes [OMIM# 203800].